The following is an entry in ClinVar:

ClinVar aggregate classification (germline): Uncertain significance (1 of 4 stars; one submission).

Submission:

Labcorp Genetics (formerly Invitae), Labcorp
Classification: Uncertain significance. Last evaluated: 2022-08-22. Review status: criteria provided, single submitter. Criteria: Invitae Variant Classification Sherloc (09022015). Collection method: clinical testing. Allele origin: germline.
Comment: A copy number gain of the genomic region encompassing the full coding sequence of the CSGALNACT1 gene has been identified. The boundaries of this event are unknown as they extend beyond the assayed region for this gene and therefore may encompass additional genes. As the precise location of this event is unknown, it may be in tandem or it may be located elsewhere in the genome. This variant has not been reported in the literature in individuals affected with CSGALNACT1-related conditions. In summary, the available evidence is currently insufficient to determine the role of this variant in disease. Therefore, it has been classified as a Variant of Uncertain Significance.

NC_000008.10:g.(?_17915043)_(20112692_?)dup

Genes: ASAH1 (N-acylsphingosine amidohydrolase 1; minus strand), ASAH1-AS1 (ASAH1 antisense RNA 1; plus strand), ATP6V1B2 (ATPase H+ transporting V1 subunit B2; plus strand), CSGALNACT1 (chondroitin sulfate N-acetylgalactosaminyltransferase 1; minus strand), INTS10 (integrator complex subunit 10; plus strand) and 7 more. Cytogenetic location: 8p22-21.3.
Variant type: Duplication.
Identifiers: ClinVar variation 2445493 (VCV002445493.1).